The following is an entry in ClinVar:

ClinVar aggregate classification (germline): Likely benign (1 of 4 stars; one submission).

gnomAD v4.1: 20 of 1,614,056 alleles (0.0012%); highest among the groups gnomAD compares: Non-Finnish European, 0.0014%; 1 homozygote.

Submission:

CeGaT Center for Human Genetics Tuebingen
Classification: Likely benign. Last evaluated: 2024-10-01. Review status: criteria provided, single submitter. Criteria: CeGaT Center For Human Genetics Tuebingen Variant Classification Criteria Version 2. Collection method: clinical testing. Allele origin: germline. Affected: yes. Observed: 1 variant allele.
Comment: HARS2: BP4, BP7

NM_012208.4(HARS2):c.222G>A (p.Arg74=)

Gene: HARS2 (histidyl-tRNA synthetase 2, mitochondrial; plus strand). Cytogenetic location: 5q31.3.
Variant type: single nucleotide variant.
Coding change: c.222G>A on transcript NM_012208.4 (MANE Select); coding-DNA position 222, G replaced by A.
Protein change: p.Arg74=; no amino-acid change (arginine 74 retained).
Molecular consequence: synonymous variant.
Genome position (GRCh38, 1-based): chr5:140,693,973, G>A. VCF-style: chr5-140693973-G-A. GRCh37 (hg19) VCF-style: chr5-140073558-G-A.
Other names: c.147G>A, p.Arg49= (NM_001278731.2); c.12G>A, p.Arg4= (NM_001278732.2, NM_001363536.2); c.240G>A, p.Arg80= (NM_001363535.2).
Identifiers: ClinVar variation 3388420 (VCV003388420.14).